The following is an entry in ClinVar:

NM_001042750.2(STAG2):c.288+1G>T

Gene: STAG2 (STAG2 cohesin complex component; plus strand). Cytogenetic location: Xq25.
Variant type: single nucleotide variant.
Coding change: c.288+1G>T on transcript NM_001042750.2 (MANE Select); the canonical splice donor site of the intron after coding-DNA position 288, G replaced by T.
Molecular consequence: splice donor variant.
Genome position (GRCh38, 1-based): chrX:124,031,126, G>T. VCF-style: chrX-124031126-G-T. GRCh37 (hg19) VCF-style: chrX-123164976-G-T.
Other names: NC_000023.10:g.123164976G>T; c.288+1G>T (NM_001042749.2, NM_001375366.1, NM_001375373.1 and 13 more transcripts).
Identifiers: ClinVar variation 2635424 (VCV002635424.2), dbSNP rs767025385, ClinGen allele CA414272744.
Genomic context (GRCh38, chrX:124,031,126, plus strand): 5'-AATGGAGTGGAAAACATGATGTTGTTTGAAGTTGTTAAAATGGGCAAGAGTGCTATGCAG[G>T]TAAGATTTATGTTGTTCTTCCCAGTTCATTTGTACATTTTAAACTTTAATGAGTTATATA-3'

ClinVar aggregate classification (germline): Likely pathogenic (1 of 4 stars; one submission).

Conditions:
STAG2-related disorder. Also called: STAG2-Related Disorders.

Submissions (2):

PreventionGenetics, part of Exact Sciences
Classification: Likely pathogenic for STAG2-related condition. Last evaluated: 2022-10-24. Review status: criteria provided, single submitter. Criteria: ACMG Guidelines, 2015. Collection method: clinical testing. Allele origin: germline.
Comment: The STAG2 c.288+1G>T variant is predicted to disrupt the GT donor site and interfere with normal splicing. To our knowledge, this variant has not been reported in the literature or in a large population database, indicating this variant is rare. Variants that disrupt the consensus splice donor site in STAG2 are expected to be pathogenic. This variant is interpreted as likely pathogenic.

Dr. Peter K. Rogan Lab, Western University
No classification provided (evidence only). Condition: Thyroid cancer, nonmedullary, 1. Review status: no classification provided. Collection method: in vitro. Allele origin: not applicable. Functional consequence: retained intron. Not counted in ClinVar's aggregate classification.